The following is an entry in ClinVar:

ClinVar aggregate classification (germline): Pathogenic. Review status: criteria provided, multiple submitters, no conflicts (2 of 4 stars). 2 submissions from 2 submitters: Pathogenic (2). Last evaluated 2024-11-05.

Conditions:
Usher syndrome type 2A. Also called: RETINAL DISEASE IN USHER SYNDROME TYPE IIA, MODIFIER OF; USHER SYNDROME, TYPE IIA. Identifiers: Orphanet 231178, Orphanet 886, MedGen C1848634, MONDO:0010169, OMIM 276901.

Submissions (2):

Natera, Inc.
Classification: Pathogenic for Usher syndrome type 2A. Last evaluated: 2024-11-05. Review status: criteria provided, single submitter. Criteria: Natera Variant Classification Schema (03/2026). Collection method: clinical testing. Allele origin: germline.
Comment: The c.9165_9168del variant in USH2A is a frameshift variant predicted to shift the reading frame beginning at codon 3055 and leads to a stop codon 2 codons downstream. This variant is expected to result in nonsense mediated decay, truncation, or a dysfunctional protein product. This variant is rare in the general population with a frequency below the threshold expected for the associated phenotype(s). This variant has been observed in one or more individuals affected with the associated recessive disease, as either homozygous or compound heterozygous with a second variant (PMID: 21593743). Given the available evidence, this variant is classified as Pathogenic.

Labcorp Genetics (formerly Invitae), Labcorp
Classification: Pathogenic. Last evaluated: 2021-10-09. Review status: criteria provided, single submitter. Criteria: Invitae Variant Classification Sherloc (09022015). Collection method: clinical testing. Allele origin: germline.
Comment: For these reasons, this variant has been classified as Pathogenic. This premature translational stop signal has been observed in individual(s) with Usher syndrome type 2 (PMID: 21593743). This variant is not present in population databases (ExAC no frequency). This sequence change creates a premature translational stop signal (p.Ile3055Metfs*2) in the USH2A gene. It is expected to result in an absent or disrupted protein product. Loss-of-function variants in USH2A are known to be pathogenic (PMID: 10729113, 10909849, 20507924, 25649381).

Literature cited by the submitters: PubMed 21593743 (cited by Natera, Inc. and Labcorp Genetics (formerly Invitae), Labcorp); PubMed 10729113 (cited by Labcorp Genetics (formerly Invitae), Labcorp); PubMed 10909849 (cited by Labcorp Genetics (formerly Invitae), Labcorp); PubMed 20507924 (cited by Labcorp Genetics (formerly Invitae), Labcorp); PubMed 25649381 (cited by Labcorp Genetics (formerly Invitae), Labcorp).

NM_206933.4(USH2A):c.9165_9168del (p.Ile3055fs)

Gene: USH2A (usherin; minus strand). Cytogenetic location: 1q41.
Variant type: Microsatellite.
Coding change: c.9165_9168del on transcript NM_206933.4 (MANE Select); coding-DNA positions 9165 to 9168, 4 bases deleted (CTAT; older notation c.9165_9168delCTAT).
Protein change: p.Ile3055fs; shifts the reading frame from isoleucine 3055.
Molecular consequence: frameshift variant.
Genome position (GRCh38, 1-based): chr1:215,844,384-215,844,387, ATAG deleted on the plus strand (CTAT on the coding strand, the reverse complement: USH2A is on the minus strand); deleting any 4 consecutive bases within chr1:215,844,384-215,844,392 gives the same sequence; the c. name uses the placement nearest the transcript's 3' end. VCF-style (leftmost placement, unchanged base first): chr1-215844383-CATAG-C. GRCh37 (hg19) VCF-style: chr1-216017725-CATAG-C.
Other names: c.9165_9168del (NM_206933.2); short protein forms I3055fs.
Identifiers: ClinVar variation 1069500 (VCV001069500.8), dbSNP rs2102821808, ClinGen allele CA645530625.